The following is an entry in ClinVar:

ClinVar aggregate classification (germline): Uncertain significance. Review status: criteria provided, multiple submitters, no conflicts (2 of 4 stars). 2 submissions from 2 submitters: Uncertain significance (2). Last evaluated 2026-01-02.

Conditions:
Immunodeficiency, common variable, 10. Also called: DEFICIT IN ANTERIOR PITUITARY FUNCTION AND VARIABLE IMMUNODEFICIENCY; IMMUNODEFICIENCY, COMMON VARIABLE, WITH CENTRAL ADRENAL INSUFFICIENCY. Identifiers: MedGen C3809991, MONDO:0014260, OMIM 615577.

Submissions (2):

Labcorp Genetics (formerly Invitae), Labcorp
Classification: Uncertain significance for Immunodeficiency, common variable, 10. Last evaluated: 2026-01-02. Review status: criteria provided, single submitter. Criteria: Invitae Variant Classification Sherloc (09022015). Collection method: clinical testing. Allele origin: germline.
Comment: This sequence change falls in intron 4 of the NFKB2 gene. It does not directly change the encoded amino acid sequence of the NFKB2 protein. This variant is present in population databases (rs750661181, gnomAD 0.002%). This variant has not been reported in the literature in individuals affected with NFKB2-related conditions. ClinVar contains an entry for this variant (Variation ID: 1384336). In summary, the available evidence is currently insufficient to determine the role of this variant in disease. Therefore, it has been classified as a Variant of Uncertain Significance.

Mendelics
Classification: Uncertain significance. Last evaluated: 2022-05-04. Review status: criteria provided, single submitter. Criteria: Mendelics Assertion Criteria 2019. Collection method: clinical testing. Allele origin: germline.

NM_001322934.2(NFKB2):c.143_144+38dup

Gene: NFKB2 (nuclear factor kappa B subunit 2; plus strand). Cytogenetic location: 10q24.32.
Variant type: Duplication.
Coding change: c.143_144+38dup on transcript NM_001322934.2 (MANE Select); coding-DNA position 143 through 38 bases into the intron after coding-DNA position 144, 40 bases duplicated.
Molecular consequence: splice donor variant.
Genome position (GRCh38, 1-based): chr10:102,396,488-102,396,527, 40 bases duplicated; duplicating any 40 consecutive bases within chr10:102,396,485-102,396,527 gives the same sequence; the c. name uses the placement nearest the transcript's 3' end. GRCh37 (hg19): chr10:104,156,245-104,156,284.
Other names: c.143_144+38dup (NM_001288724.1, NM_001322935.1, NM_001077494.3 and 2 more transcripts).
Identifiers: ClinVar variation 1384336 (VCV001384336.7), dbSNP rs750661181, ClinGen allele CA5664461.